The following is an entry in ClinVar:

NM_000368.5(TSC1):c.7C>T (p.Gln3Ter)

Gene: TSC1 (TSC complex subunit 1; minus strand). Cytogenetic location: 9q34.13.
Variant type: single nucleotide variant.
Coding change: c.7C>T on transcript NM_000368.5 (MANE Select); coding-DNA position 7, C replaced by T.
Protein change: p.Gln3Ter; replaces glutamine 3 with a stop codon.
Molecular consequence: nonsense. On other transcripts: 5 prime UTR variant (16), non-coding transcript variant (5), intron variant (2).
Genome position (GRCh38, 1-based): chr9:132,928,866, G>A on the plus strand (C>T on the coding strand, the complement: TSC1 is on the minus strand). VCF-style: chr9-132928866-G-A. GRCh37 (hg19) VCF-style: chr9-135804253-G-A.
Other names: c.7C>T, p.Gln3Ter (NM_001406601.1, NM_001406602.1, NM_001406603.1 and 21 more transcripts); c.-345C>T (NM_001406614.1); c.-482C>T (NM_001406615.1, NM_001406623.1); c.-449C>T (NM_001406616.1, NM_001406624.1); c.-253C>T (NM_001406617.1, NM_001406619.1, NM_001406621.1 and 3 more transcripts); c.-871C>T (NM_001406626.1, NM_001406627.1, NM_001406628.1); c.-1013C>T (NM_001406629.1); c.-1087C>T (NM_001406630.1); and 1 more; short protein forms Q3*.
Identifiers: ClinVar variation 2673949 (VCV002673949.1), dbSNP rs2539147032, ClinGen allele CA375375463.

ClinVar aggregate classification (germline): Pathogenic (1 of 4 stars; one submission).

Conditions:
Tuberous sclerosis 1 (TSC1). Identifiers: Orphanet 805, MedGen C1854465, MONDO:0008612, OMIM 191100.

Submission:

Myriad Genetics, Inc.
Classification: Pathogenic for Tuberous sclerosis 1. Last evaluated: 2023-10-25. Review status: criteria provided, single submitter. Criteria: Myriad Autosomal Dominant, Autosomal Recessive and X-Linked Classification Criteria (2023). Collection method: clinical testing. Allele origin: unknown.
Comment: This variant is considered pathogenic. This variant creates a termination codon and is predicted to result in premature protein truncation.